The following is an entry in ClinVar:

NM_004655.4(AXIN2):c.373A>G (p.Thr125Ala)

Gene: AXIN2 (axin 2; minus strand). Cytogenetic location: 17q24.1.
Variant type: single nucleotide variant.
Coding change: c.373A>G on transcript NM_004655.4 (MANE Select); coding-DNA position 373, A replaced by G.
Protein change: p.Thr125Ala; replaces threonine 125 with alanine.
Molecular consequence: missense variant.
Genome position (GRCh38, 1-based): chr17:65,558,248, T>C on the plus strand (A>G on the coding strand, the complement: AXIN2 is on the minus strand). VCF-style: chr17-65558248-T-C. GRCh37 (hg19) VCF-style: chr17-63554366-T-C.
Other names: c.373A>G, p.Thr125Ala (NM_001363813.1); short protein forms T125A.
Identifiers: ClinVar variation 1734454 (VCV001734454.2), dbSNP rs2544251617, ClinGen allele CA400681533.

ClinVar aggregate classification (germline): Uncertain significance (1 of 4 stars; one submission).

Conditions:
Hereditary cancer-predisposing syndrome. Also called: Neoplastic Syndromes, Hereditary; Tumor predisposition; Hereditary Cancer Syndrome; Hereditary neoplastic syndrome. Identifiers: Orphanet 140162, MedGen C0027672, MeSH D009386, MONDO:0015356.

Submission:

Ambry Genetics
Classification: Uncertain significance for Hereditary cancer-predisposing syndrome. Last evaluated: 2020-10-12. Review status: criteria provided, single submitter. Criteria: Ambry Variant Classification Scheme 2023. Collection method: clinical testing. Allele origin: germline.
Comment: The p.T125A variant (also known as c.373A>G), located in coding exon 1 of the AXIN2 gene, results from an A to G substitution at nucleotide position 373. The threonine at codon 125 is replaced by alanine, an amino acid with similar properties. This amino acid position is not well conserved in available vertebrate species. In addition, this alteration is predicted to be tolerated by in silico analysis. Since supporting evidence is limited at this time, the clinical significance of this alteration remains unclear.